The following is an entry in ClinVar:

ClinVar aggregate classification (germline): Likely pathogenic (1 of 4 stars; one submission).

Conditions:
Usher syndrome type 1 (USH1). Also called: RETINITIS PIGMENTOSA AND CONGENITAL DEAFNESS. Identifiers: Orphanet 231169, Orphanet 886, MedGen C1568247, MONDO:0010168, OMIM 276900.

Submission:

Myriad Genetics, Inc.
Classification: Likely pathogenic for Usher syndrome type 1. Last evaluated: 2020-02-15. Review status: criteria provided, single submitter. Criteria: Myriad Women's Health Autosomal Recessive and X-Linked Classification Criteria (2019). Collection method: clinical testing. Allele origin: unknown.
Comment: NM_000260.3(MYO7A):c.5209A>T(K1737*) is expected to be pathogenic in the context of MYO7A-related disorders. This variant is predicted to lead to an abnormal or absent protein product due to the creation of a premature termination codon in MYO7A, a gene where loss-of-function variants are known to be pathogenic. Please note: this variant was assessed in the context of healthy population screening.

NM_000260.4(MYO7A):c.5209A>T (p.Lys1737Ter)

Gene: MYO7A (myosin VIIA; plus strand). Cytogenetic location: 11q13.5.
Variant type: single nucleotide variant.
Coding change: c.5209A>T on transcript NM_000260.4 (MANE Select); coding-DNA position 5209, A replaced by T.
Protein change: p.Lys1737Ter; replaces lysine 1737 with a stop codon.
Molecular consequence: nonsense.
Genome position (GRCh38, 1-based): chr11:77,203,100, A>T. VCF-style: chr11-77203100-A-T. GRCh37 (hg19) VCF-style: chr11-76914145-A-T.
Other names: c.5095A>T, p.Lys1699Ter (NM_001127180.2); c.5062A>T, p.Lys1688Ter (NM_001369365.1); short protein forms K1688*, K1699*, K1737*.
Identifiers: ClinVar variation 983739 (VCV000983739.3), dbSNP rs1591474980, ClinGen allele CA381952101.